The following is an entry in ClinVar:

ClinVar aggregate classification (germline): Uncertain significance (1 of 4 stars; one submission).

Allele frequency attached by ClinVar (database versions not stated): ExAC 0.00001; gnomAD exomes 0.00001; TOPMed 0.00001.
gnomAD v4.1: 12 of 1,599,922 alleles (0.00075%); highest among the groups gnomAD compares: South Asian, 0.0099%; no homozygotes.

Submission:

Labcorp Genetics (formerly Invitae), Labcorp
Classification: Uncertain significance. Last evaluated: 2024-03-02. Review status: criteria provided, single submitter. Criteria: Invitae Variant Classification Sherloc (09022015). Collection method: clinical testing. Allele origin: germline.
Comment: This sequence change falls in intron 20 of the FBXO11 gene. It does not directly change the encoded amino acid sequence of the FBXO11 protein. It affects a nucleotide within the consensus splice site. This variant is present in population databases (rs776226469, gnomAD 0.01%). This variant has not been reported in the literature in individuals affected with FBXO11-related conditions. ClinVar contains an entry for this variant (Variation ID: 2027271). Variants that disrupt the consensus splice site are a relatively common cause of aberrant splicing (PMID: 17576681, 9536098). Algorithms developed to predict the effect of sequence changes on RNA splicing suggest that this variant is not likely to affect RNA splicing. In summary, the available evidence is currently insufficient to determine the role of this variant in disease. Therefore, it has been classified as a Variant of Uncertain Significance.

Literature cited by the submitters: PubMed 17576681; PubMed 9536098.

NM_001190274.2(FBXO11):c.2446+6T>C

Genes: FBXO11 (F-box protein 11; minus strand), MSH6 (mutS homolog 6; plus strand). Cytogenetic location: 2p16.3.
Variant type: single nucleotide variant.
Coding change: c.2446+6T>C on transcript NM_001190274.2 (MANE Select); 6 bases into the intron after coding-DNA position 2446, T replaced by C.
Molecular consequence: intron variant.
Genome position (GRCh38, 1-based): chr2:47,809,594, A>G on the plus strand (T>C on the coding strand, the complement: FBXO11 is on the minus strand). VCF-style: chr2-47809594-A-G. GRCh37 (hg19) VCF-style: chr2-48036733-A-G.
Other names: c.2194+6T>C (NM_001374325.1, NM_025133.4).
Identifiers: ClinVar variation 2027271 (VCV002027271.4), dbSNP rs776226469, ClinGen allele CA069566.
Genomic context (GRCh38, chr2:47,809,594, plus strand): 5'-AACGGCTTCTGATTATCTTTCATGGCATATTGCATATATTTATAGGTATAGCAGACTCCA[A>G]CATACCTTTCATTGTCACATTAACACCAGATGCTAAAAATAAGCCTCCAAACCGGTTGTT-3'